The following is an entry in ClinVar:

NM_001130987.2(DYSF):c.6170del (p.Pro2057fs)

Gene: DYSF (dysferlin; plus strand). Cytogenetic location: 2p13.2.
Variant type: Deletion.
Coding change: c.6170del on transcript NM_001130987.2 (MANE Select); coding-DNA position 6170, one base deleted (C; older notation c.6170delC).
Protein change: p.Pro2057fs; shifts the reading frame from proline 2057.
Molecular consequence: frameshift variant.
Genome position (GRCh38, 1-based): chr2:71,681,107, C deleted; the last of 3 consecutive C bases (chr2:71,681,105-71,681,107); deleting any one gives the same sequence. VCF-style (leftmost placement, unchanged base first): chr2-71681104-AC-A. GRCh37 (hg19) VCF-style: chr2-71908234-AC-A.
Other names: c.6056del, p.Pro2019fs (NM_001130455.2); c.6011del, p.Pro2004fs (NM_001130976.2); c.6074del, p.Pro2025fs (NM_001130977.2); c.6116del, p.Pro2039fs (NM_001130978.2); c.6146del, p.Pro2049fs (NM_001130979.2); c.6104del, p.Pro2035fs (NM_001130980.2); c.6167del, p.Pro2056fs (NM_001130981.2); c.6149del, p.Pro2050fs (NM_001130982.2); and 5 more; short protein forms P2018fs, P2040fs, P2050fs, P2004fs, P2049fs, P2057fs, P2005fs, P2025fs.
Identifiers: ClinVar variation 1428700 (VCV001428700.6), dbSNP rs2152970089, ClinGen allele CA2573135978.

ClinVar aggregate classification (germline): Pathogenic (1 of 4 stars; one submission).

Conditions:
Neuromuscular disease caused by qualitative or quantitative defects of dysferlin. Also called: Dysferlinopathy; Qualitative or quantitative defects of dysferlin. Identifiers: Orphanet 207073, MedGen C2931687, MONDO:0016145.

Submission:

Labcorp Genetics (formerly Invitae), Labcorp
Classification: Pathogenic for Neuromuscular disease caused by qualitative or quantitative defects of dysferlin. Last evaluated: 2021-08-21. Review status: criteria provided, single submitter. Criteria: Invitae Variant Classification Sherloc (09022015). Collection method: clinical testing. Allele origin: germline.
Comment: This variant is not present in population databases (ExAC no frequency). This variant has not been reported in the literature in individuals affected with DYSF-related conditions. For these reasons, this variant has been classified as Pathogenic. This sequence change creates a premature translational stop signal (p.Pro2018Glnfs*18) in the DYSF gene. It is expected to result in an absent or disrupted protein product. Loss-of-function variants in DYSF are known to be pathogenic (PMID: 17698709, 20301480).

Literature cited by the submitters: PubMed 17698709; PubMed 20301480.